The following is an entry in ClinVar:

NM_003356.4(UCP3):c.805C>T (p.Pro269Ser)

Gene: UCP3 (uncoupling protein 3; minus strand). Cytogenetic location: 11q13.4.
Variant type: single nucleotide variant.
Coding change: c.805C>T on transcript NM_003356.4 (MANE Select); coding-DNA position 805, C replaced by T.
Protein change: p.Pro269Ser; replaces proline 269 with serine.
Molecular consequence: missense variant.
Genome position (GRCh38, 1-based): chr11:74,003,846, G>A on the plus strand (C>T on the coding strand, the complement: UCP3 is on the minus strand). VCF-style: chr11-74003846-G-A. GRCh37 (hg19) VCF-style: chr11-73714891-G-A.
Other names: c.805C>T, p.Pro269Ser (NM_022803.3); c.805C>T (NM_003356.3); short protein forms P269S.
Identifiers: ClinVar variation 1949836 (VCV001949836.6), dbSNP rs781146737, ClinGen allele CA6181357.

ClinVar aggregate classification (germline): Uncertain significance. Review status: criteria provided, single submitter (1 of 4 stars). 2 submissions from 2 submitters: Uncertain significance (1). 1 of the submissions does not count toward it. Last evaluated 2022-05-24.

Conditions:
UCP3-related disorder. Also called: UCP3-related condition.

Allele frequency attached by ClinVar (database versions not stated): gnomAD exomes below 0.00001; ExAC 0.00001.

Submissions (2):

Labcorp Genetics (formerly Invitae), Labcorp
Classification: Uncertain significance. Last evaluated: 2022-05-24. Review status: criteria provided, single submitter. Criteria: Invitae Variant Classification Sherloc (09022015). Collection method: clinical testing. Allele origin: germline.
Comment: This sequence change replaces proline, which is neutral and non-polar, with serine, which is neutral and polar, at codon 269 of the UCP3 protein (p.Pro269Ser). This variant is present in population databases (rs781146737, gnomAD 0.003%). This variant has not been reported in the literature in individuals affected with UCP3-related conditions. Algorithms developed to predict the effect of missense changes on protein structure and function output the following: SIFT: "Deleterious"; PolyPhen-2: "Benign"; Align-GVGD: "Class C0". The serine amino acid residue is found in multiple mammalian species, which suggests that this missense change does not adversely affect protein function. In summary, the available evidence is currently insufficient to determine the role of this variant in disease. Therefore, it has been classified as a Variant of Uncertain Significance.

PreventionGenetics, part of Exact Sciences
Classification: Uncertain significance for UCP3-related condition. Last evaluated: 2024-05-29. Review status: no assertion criteria provided. Collection method: clinical testing. Allele origin: germline. Not counted in ClinVar's aggregate classification.
Comment: The UCP3 c.805C>T variant is predicted to result in the amino acid substitution p.Pro269Ser. To our knowledge, this variant has not been reported in the literature. This variant is reported in 0.0029% of alleles in individuals of Latino descent in gnomAD. At this time, the clinical significance of this variant is uncertain due to the absence of conclusive functional and genetic evidence.